The following is an entry in ClinVar:

NM_032273.4(TMEM126A):c.259G>A (p.Val87Ile)

Gene: TMEM126A (transmembrane protein 126A; plus strand). Cytogenetic location: 11q14.1.
Variant type: single nucleotide variant.
Coding change: c.259G>A on transcript NM_032273.4 (MANE Select); coding-DNA position 259, G replaced by A.
Protein change: p.Val87Ile; replaces valine 87 with isoleucine.
Molecular consequence: missense variant.
Genome position (GRCh38, 1-based): chr11:85,654,235, G>A. VCF-style: chr11-85654235-G-A. GRCh37 (hg19) VCF-style: chr11-85365279-G-A.
Other names: c.49G>A, p.Val17Ile (NM_001244735.2); short protein forms V17I, V87I.
Identifiers: ClinVar variation 853557 (VCV000853557.9), dbSNP rs142626884, ClinGen allele CA6212728.
Genomic context (GRCh38, chr11:85,654,235, plus strand): 5'-GCTGGCTTACCAATGGCAGGGATACCTTTTCTTACAACAGACTTAACTTACAGATGTTTT[G>A]TAAGTTTTCCTTTGAATACAGGTAAATTCTACTTCACTATCACCAAAGAGTTTGCCTTAG-3'
Protein context (NP_115649.1, residues 77-97): LTTDLTYRCF[Val87Ile]SFPLNTGDLD

ClinVar aggregate classification (germline): Uncertain significance (1 of 4 stars; one submission).

Allele frequency attached by ClinVar (database versions not stated): TOPMed 0.00001; ESP Exome Variant Server 0.00008.
gnomAD v4.1: 11 of 1,613,978 alleles (0.00068%); highest among the groups gnomAD compares: South Asian, 0.0033%; no homozygotes.

Submission:

Labcorp Genetics (formerly Invitae), Labcorp
Classification: Uncertain significance. Last evaluated: 2019-12-11. Review status: criteria provided, single submitter. Criteria: Invitae Variant Classification Sherloc (09022015). Collection method: clinical testing. Allele origin: germline.
Comment: In summary, the available evidence is currently insufficient to determine the role of this variant in disease. Therefore, it has been classified as a Variant of Uncertain Significance. Algorithms developed to predict the effect of missense changes on protein structure and function output the following: SIFT: "Tolerated"; PolyPhen-2: "Benign"; Align-GVGD: "Class C0". The isoleucine amino acid residue is found in multiple mammalian species, suggesting that this missense change does not adversely affect protein function. These predictions have not been confirmed by published functional studies and their clinical significance is uncertain. This variant has not been reported in the literature in individuals with TMEM126A-related conditions. This variant is present in population databases (rs142626884, ExAC 0.01%). This sequence change replaces valine with isoleucine at codon 87 of the TMEM126A protein (p.Val87Ile). The valine residue is highly conserved and there is a small physicochemical difference between valine and isoleucine.